The following is an entry in ClinVar:

NM_000136.3(FANCC):c.679A>G (p.Ile227Val)

Genes: AOPEP (aminopeptidase O (putative); plus strand), FANCC (FA complementation group C; minus strand). Cytogenetic location: 9q22.32.
Variant type: single nucleotide variant.
Coding change: c.679A>G on transcript NM_000136.3 (MANE Select); coding-DNA position 679, A replaced by G.
Protein change: p.Ile227Val; replaces isoleucine 227 with valine.
Molecular consequence: missense variant.
Genome position (GRCh38, 1-based): chr9:95,149,930, T>C on the plus strand (A>G on the coding strand, the complement: FANCC is on the minus strand). VCF-style: chr9-95149930-T-C. GRCh37 (hg19) VCF-style: chr9-97912212-T-C.
Other names: c.679A>G, p.Ile227Val (NM_001243743.2, NM_001243744.2); short protein forms I227V.
Identifiers: ClinVar variation 220497 (VCV000220497.22), dbSNP rs864622550, ClinGen allele CA348958.

ClinVar aggregate classification (germline): Conflicting classifications of pathogenicity. Review status: criteria provided, conflicting classifications (1 of 4 stars). 5 submissions from 5 submitters: Uncertain significance (3); Likely benign (1). 1 of the submissions does not count toward it. Last evaluated 2025-04-27.

Conditions:
Hereditary cancer-predisposing syndrome. Also called: Hereditary neoplastic syndrome; Tumor predisposition; Hereditary Cancer Syndrome; Neoplastic Syndromes, Hereditary. Identifiers: Orphanet 140162, MedGen C0027672, MeSH D009386, MONDO:0015356.
Fanconi anemia (FA). Also called: Fanconi's anemia. Identifiers: Orphanet 84, MedGen C0015625, MeSH D005199, MONDO:0019391.

Allele frequency attached by ClinVar (database versions not stated): gnomAD 0.00001; gnomAD exomes 0.00001.
gnomAD v4.1: 14 of 1,602,050 alleles (0.00087%); highest among the groups gnomAD compares: Non-Finnish European, 0.0012%; no homozygotes.

Submissions (5):

Labcorp Genetics (formerly Invitae), Labcorp
Classification: Uncertain significance for Fanconi anemia. Last evaluated: 2025-04-27. Review status: criteria provided, single submitter. Criteria: Invitae Variant Classification Sherloc (09022015). Collection method: clinical testing. Allele origin: germline.
Comment: This sequence change replaces isoleucine, which is neutral and non-polar, with valine, which is neutral and non-polar, at codon 227 of the FANCC protein (p.Ile227Val). This variant is not present in population databases (gnomAD no frequency). This variant has not been reported in the literature in individuals affected with FANCC-related conditions. ClinVar contains an entry for this variant (Variation ID: 220497). Invitae Evidence Modeling of protein sequence and biophysical properties (such as structural, functional, and spatial information, amino acid conservation, physicochemical variation, residue mobility, and thermodynamic stability) indicates that this missense variant is not expected to disrupt FANCC protein function with a negative predictive value of 80%. In summary, the available evidence is currently insufficient to determine the role of this variant in disease. Therefore, it has been classified as a Variant of Uncertain Significance.

Ambry Genetics
Classification: Likely benign for Hereditary cancer-predisposing syndrome. Last evaluated: 2024-10-19. Review status: criteria provided, single submitter. Criteria: Ambry Variant Classification Scheme 2023. Collection method: clinical testing. Allele origin: germline.

Quest Diagnostics Nichols Institute San Juan Capistrano
Classification: Uncertain significance. Last evaluated: 2024-09-08. Review status: criteria provided, single submitter. Criteria: Quest Diagnostics criteria. Collection method: clinical testing. Allele origin: unknown.
Comment: The FANCC c.679A>G (p.Ile227Val) variant has not been reported in individuals with FANCC-related conditions in the published literature. However, this variant has been detected in a reportedly healthy individual in a case-control study (PMID: 32546565 (2021)). The frequency of this variant in the general population, 0.000032 (1/31386 chromosomes (Genome Aggregation Database)), is uninformative in the assessment of its pathogenicity. Analysis of this variant using bioinformatics tools for the prediction of the effect of amino acid changes on protein structure and function yielded predictions that this variant is benign. Based on the available information, we are unable to determine the clinical significance of this variant.

GeneDx
Classification: Uncertain significance. Last evaluated: 2015-05-15. Review status: criteria provided, single submitter. Criteria: GeneDx Variant Classification (06012015). Collection method: clinical testing. Allele origin: germline. Affected: yes.
Comment: This variant is denoted FANCC c.679A>G at the cDNA level, p.Ile227Val (I227V) at the protein level, and results in the change of an Isoleucine to a Valine (ATT>GTT). This variant has not, to our knowledge, been published in the literature as pathogenic or benign. FANCC Ile227Val was not observed in approximately 6,500 individuals of European and African American ancestry in the NHLBI Exome Sequencing Project, indicating it is not a common benign variant in these populations. Since Isoleucine and Valine share similar properties, this is considered a conservative amino acid substitution. FANCC Ile227Val occurs at a position where amino acids with properties similar to Isoleucine are tolerated across species and is located in region of interaction with Hsp70 and GRP94 (Gordon 2000). In silico analyses predict that this variant is unlikely to alter protein structure or function. Based on currently available information, it is unclear whether FANCC Ile227Val is pathogenic or benign. We consider it to be a variant of uncertain significance.

Natera, Inc.
Classification: Uncertain significance for Fanconi anemia. Last evaluated: 2021-10-04. Review status: no assertion criteria provided. Collection method: clinical testing. Allele origin: germline. Not counted in ClinVar's aggregate classification.

Literature cited by the submitters: PubMed 32546565 (cited by Quest Diagnostics Nichols Institute San Juan Capistrano).